The following is an entry in ClinVar:

ClinVar aggregate classification (germline): Uncertain significance (1 of 4 stars; one submission).

Conditions:
Mucopolysaccharidosis, MPS-III-B (MPS3B). Also called: N-ACETYL-ALPHA-D-GLUCOSAMINIDASE DEFICIENCY; NAGLU DEFICIENCY; SANFILIPPO SYNDROME B; MPS III B; Mucopolysaccharidosis type IIIB (Sanfilippo B); MPS IIIB (Sanfilippo Syndrome Type B). Identifiers: Orphanet 79270, MedGen C0086648, MONDO:0009656, OMIM 252920.
Charcot-Marie-Tooth disease axonal type 2V. Also called: CHARCOT-MARIE-TOOTH NEUROPATHY, TYPE 2V; CHARCOT-MARIE-TOOTH DISEASE, AXONAL, AUTOSOMAL DOMINANT, TYPE 2V. Identifiers: Orphanet 447964, MedGen C5569050, MONDO:0014665, OMIM 616491.

Submission:

Labcorp Genetics (formerly Invitae), Labcorp
Classification: Uncertain significance for Charcot-Marie-Tooth disease axonal type 2V; Mucopolysaccharidosis, MPS-III-B. Last evaluated: 2022-05-09. Review status: criteria provided, single submitter. Criteria: Invitae Variant Classification Sherloc (09022015). Collection method: clinical testing. Allele origin: germline.
Comment: This sequence change replaces alanine, which is neutral and non-polar, with threonine, which is neutral and polar, at codon 740 of the NAGLU protein (p.Ala740Thr). This variant is not present in population databases (gnomAD no frequency). This variant has not been reported in the literature in individuals affected with NAGLU-related conditions. Advanced modeling of protein sequence and biophysical properties (such as structural, functional, and spatial information, amino acid conservation, physicochemical variation, residue mobility, and thermodynamic stability) performed at Invitae indicates that this missense variant is not expected to disrupt NAGLU protein function. In summary, the available evidence is currently insufficient to determine the role of this variant in disease. Therefore, it has been classified as a Variant of Uncertain Significance.

NM_000263.4(NAGLU):c.2218G>A (p.Ala740Thr)

Gene: NAGLU (N-acetyl-alpha-glucosaminidase; plus strand). Cytogenetic location: 17q21.2.
Variant type: single nucleotide variant.
Coding change: c.2218G>A on transcript NM_000263.4 (MANE Select); coding-DNA position 2218, G replaced by A.
Protein change: p.Ala740Thr; replaces alanine 740 with threonine.
Molecular consequence: missense variant.
Genome position (GRCh38, 1-based): chr17:42,544,224, G>A. VCF-style: chr17-42544224-G-A. GRCh37 (hg19) VCF-style: chr17-40696242-G-A.
Other names: short protein forms A740T.
Identifiers: ClinVar variation 1911534 (VCV001911534.2), dbSNP rs750668298, ClinGen allele CA399606509.